The following is an entry in ClinVar:

NM_021096.4(CACNA1I):c.5758A>G (p.Asn1920Asp)

Gene: CACNA1I (calcium voltage-gated channel subunit alpha1 I; plus strand). Cytogenetic location: 22q13.1.
Variant type: single nucleotide variant.
Coding change: c.5758A>G on transcript NM_021096.4 (MANE Select); coding-DNA position 5758, A replaced by G.
Protein change: p.Asn1920Asp; replaces asparagine 1920 with aspartic acid.
Molecular consequence: missense variant.
Genome position (GRCh38, 1-based): chr22:39,682,589, A>G. VCF-style: chr22-39682589-A-G. GRCh37 (hg19) VCF-style: chr22-40078594-A-G.
Other names: c.5653A>G, p.Asn1885Asp (NM_001003406.2); short protein forms N1885D, N1920D.
Identifiers: ClinVar variation 3370020 (VCV003370020.1).

ClinVar aggregate classification (germline): Uncertain significance (1 of 4 stars; one submission).

Submission:

GeneDx
Classification: Uncertain significance. Last evaluated: 2023-12-26. Review status: criteria provided, single submitter. Criteria: GeneDx Variant Classification Process June 2021. Collection method: clinical testing. Allele origin: germline. Affected: yes.
Comment: Not observed at significant frequency in large population cohorts (gnomAD); In silico analysis supports that this missense variant does not alter protein structure/function; Has not been previously published as pathogenic or benign to our knowledge